The following is an entry in ClinVar:

ClinVar aggregate classification (germline): Uncertain significance (1 of 4 stars; one submission).

Conditions:
Inborn genetic diseases. Identifiers: MedGen C0950123, MeSH D030342.

Submission:

Ambry Genetics
Classification: Uncertain significance for Inborn genetic diseases. Last evaluated: 2025-03-30. Review status: criteria provided, single submitter. Criteria: Ambry Variant Classification Scheme 2023. Collection method: clinical testing. Allele origin: germline.
Comment: The p.P595T variant (also known as c.1783C>A), located in coding exon 13 of the ASXL1 gene, results from a C to A substitution at nucleotide position 1783. The proline at codon 595 is replaced by threonine, an amino acid with highly similar properties. This amino acid position is conserved. In addition, this alteration is predicted to be deleterious by in silico analysis. Based on the available evidence, the clinical significance of this variant remains unclear.

NM_015338.6(ASXL1):c.1783C>A (p.Pro595Thr)

Gene: ASXL1 (ASXL transcriptional regulator 1; plus strand). Cytogenetic location: 20q11.21.
Variant type: single nucleotide variant.
Coding change: c.1783C>A on transcript NM_015338.6 (MANE Select); coding-DNA position 1783, C replaced by A.
Protein change: p.Pro595Thr; replaces proline 595 with threonine.
Molecular consequence: missense variant.
Genome position (GRCh38, 1-based): chr20:32,434,495, C>A. VCF-style: chr20-32434495-C-A. GRCh37 (hg19) VCF-style: chr20-31022298-C-A.
Other names: c.1600C>A, p.Pro534Thr (NM_001363734.1); short protein forms P595T, P534T.
Identifiers: ClinVar variation 3955536 (VCV003955536.1).